The following is an entry in ClinVar:

NM_000284.4(PDHA1):c.291+1_418+1dup

Gene: PDHA1 (pyruvate dehydrogenase E1 subunit alpha 1; plus strand). Cytogenetic location: Xp22.12.
Variant type: Duplication.
Coding change: c.291+1_418+1dup on transcript NM_000284.4 (MANE Select); the canonical splice donor site of the intron after coding-DNA position 291 through the canonical splice donor site of the intron after coding-DNA position 418, 1,298 bases duplicated.
Molecular consequence: splice acceptor variant, splice donor variant.
Genome position (GRCh38, 1-based): chrX:19,350,111-19,351,408, 1,298 bases duplicated. GRCh37 (hg19): chrX:19,368,229-19,369,526.
Other names: Duplication of exon 4; c.405+1_532+1dup (NM_001173454.2); c.291+1_439+1dup (NM_001173455.2); c.291+1_418+1dup (NM_001173456.2).
Identifiers: ClinVar variation 599237 (VCV000599237.1), ClinGen allele CA913191131.

ClinVar aggregate classification (germline): Likely pathogenic (0 of 4 stars; one submission).

Conditions:
Pyruvate dehydrogenase E1-alpha deficiency (PDHAD). Also called: ATAXIA, INTERMITTENT, WITH PYRUVATE DEHYDROGENASE DEFICIENCY; ATAXIA WITH LACTIC ACIDOSIS I; ATAXIA, INTERMITTENT, WITH ABNORMAL PYRUVATE METABOLISM; Ataxia, intermittent, with pyruvate dehydrogenase, or decarboxylase, deficiency. Identifiers: Orphanet 79243, MedGen C1839413, MONDO:0010717, OMIM 312170.

Submission:

Foundation for Research in Genetics and Endocrinology, FRIGE's Institute of Human Genetics
Classification: Likely pathogenic for Pyruvate dehydrogenase E1-alpha deficiency. Last evaluated: 2018-08-27. Review status: no assertion criteria provided. Collection method: clinical testing. Allele origin: unknown. Inheritance: X-linked dominant inheritance. Affected: yes. Observed: 1 heterozygote.
Comment: The observed variant g.11219_12516dup, is not reported in 1000 Genomes and ExAC databases. The in silico prediction of the given variant is disease causing by MutationTaster2.